The following is an entry in ClinVar:

ClinVar aggregate classification (germline): Uncertain significance (1 of 4 stars; one submission).

Conditions:
Developmental and epileptic encephalopathy 94 (DEE94). Also called: Epileptic encephalopathy, childhood-onset; CHD2-Related Neurodevelopmental Disorders. Identifiers: Orphanet 1942, Orphanet 2382, MedGen C3809278, MONDO:0014150, OMIM 615369.

Submission:

Juno Genomics, Hangzhou Juno Genomics, Inc
Classification: Uncertain significance for Developmental and epileptic encephalopathy 94. Review status: criteria provided, single submitter. Criteria: ACMG Guidelines, 2015. Collection method: clinical testing. Allele origin: germline.
Comment: Absent from controls (or at extremely low frequency if recessive) in Genome Aggregation Database.;Missense variant in a gene that has a low rate of benign missense variation.

NM_001271.4(CHD2):c.23G>T (p.Ser8Ile)

Gene: CHD2 (chromodomain helicase DNA binding protein 2; plus strand). Cytogenetic location: 15q26.1.
Variant type: single nucleotide variant.
Coding change: c.23G>T on transcript NM_001271.4 (MANE Select); coding-DNA position 23, G replaced by T.
Protein change: p.Ser8Ile; replaces serine 8 with isoleucine.
Molecular consequence: missense variant.
Genome position (GRCh38, 1-based): chr15:92,901,260, G>T. VCF-style: chr15-92901260-G-T. GRCh37 (hg19) VCF-style: chr15-93444490-G-T.
Other names: c.23G>T, p.Ser8Ile (NM_001042572.3); short protein forms S8I.
Identifiers: ClinVar variation 5020041 (VCV005020041.2).
Genomic context (GRCh38, chr15:92,901,260, plus strand): 5'-CAGATTCCCCCTCCCCCTTAATATTTAAGAATTAAAAGATGATGAGAAATAAGGACAAAA[G>T]CCAAGAGGAGGACAGTTCGCTACACAGCAATGCATCGAGGTATGAGCTATCAACTTTCTT-3'
Protein context (NP_001262.3, residues 1-18): MMRNKDK[Ser8Ile]QEEDSSLHSN